The following is an entry in ClinVar:

ClinVar aggregate classification (germline): Likely benign (0 of 4 stars; one submission).

Conditions:
LRP5-related disorder. Also called: LRP5-related condition.

Submission:

PreventionGenetics, part of Exact Sciences
Classification: Likely benign for LRP5-related condition. Last evaluated: 2020-01-02. Review status: no assertion criteria provided. Collection method: clinical testing. Allele origin: germline.
Comment: This variant is classified as likely benign based on ACMG/AMP sequence variant interpretation guidelines (Richards et al. 2015 PMID: 25741868, with internal and published modifications).

NM_002335.4(LRP5):c.81C>G (p.Ala27=)

Gene: LRP5 (LDL receptor related protein 5; plus strand). Cytogenetic location: 11q13.2.
Variant type: single nucleotide variant.
Coding change: c.81C>G on transcript NM_002335.4 (MANE Select); coding-DNA position 81, C replaced by G.
Protein change: p.Ala27=; no amino-acid change (alanine 27 retained).
Molecular consequence: synonymous variant. On other transcripts: 5 prime UTR variant (1).
Genome position (GRCh38, 1-based): chr11:68,312,795, C>G. VCF-style: chr11-68312795-C-G. GRCh37 (hg19) VCF-style: chr11-68080263-C-G.
Other names: c.-1685C>G (NM_001291902.2).
Identifiers: ClinVar variation 3042274 (VCV003042274.2), dbSNP rs2098589389, ClinGen allele CA475457570.
Genomic context (GRCh38, chr11:68,312,795, plus strand): 5'-GCCGCCGTGGCCGCTGCTGCTGCTGCTGCTGCTGCTGCTGGCGCTGTGCGGCTGCCCGGC[C>G]CCCGCCGCGGGTAGGTGGGCGCAGGCCGGCCGGGGGCCGCGGGTTGCTCGGACAATGGCC-3'
Protein context (NP_002326.2, residues 17-37): LLLLALCGCP[Ala27=]PAAASPLLLF